The following is an entry in ClinVar:

ClinVar aggregate classification (germline): Uncertain significance (1 of 4 stars; one submission).

Submission:

Labcorp Genetics (formerly Invitae), Labcorp
Classification: Uncertain significance. Last evaluated: 2023-06-19. Review status: criteria provided, single submitter. Criteria: Invitae Variant Classification Sherloc (09022015). Collection method: clinical testing. Allele origin: germline.
Comment: Experimental studies and prediction algorithms are not available or were not evaluated, and the functional significance of this variant is currently unknown. In summary, the available evidence is currently insufficient to determine the role of this variant in disease. Therefore, it has been classified as a Variant of Uncertain Significance. ClinVar contains an entry for this variant (Variation ID: 1496461). This sequence change replaces leucine, which is neutral and non-polar, with arginine, which is basic and polar, at codon 14 of the MATN3 protein (p.Leu14Arg). This variant is not present in population databases (gnomAD no frequency). This variant has not been reported in the literature in individuals affected with MATN3-related conditions.

NM_002381.5(MATN3):c.41T>G (p.Leu14Arg)

Gene: MATN3 (matrilin 3; minus strand). Cytogenetic location: 2p24.1.
Variant type: single nucleotide variant.
Coding change: c.41T>G on transcript NM_002381.5 (MANE Select); coding-DNA position 41, T replaced by G.
Protein change: p.Leu14Arg; replaces leucine 14 with arginine.
Molecular consequence: missense variant.
Genome position (GRCh38, 1-based): chr2:20,012,591, A>C on the plus strand (T>G on the coding strand, the complement: MATN3 is on the minus strand). VCF-style: chr2-20012591-A-C. GRCh37 (hg19) VCF-style: chr2-20212352-A-C.
Other names: short protein forms L14R.
Identifiers: ClinVar variation 1496461 (VCV001496461.6), dbSNP rs2103487234, ClinGen allele CA345951902.